The following is an entry in ClinVar:

ClinVar aggregate classification (germline): Uncertain significance. Review status: criteria provided, multiple submitters, no conflicts (2 of 4 stars). 2 submissions from 2 submitters: Uncertain significance (2). Last evaluated 2021-01-18.

Conditions:
Hypertrophic cardiomyopathy. Also called: HYPERTROPHIC MYOCARDIOPATHY. Identifiers: Orphanet 217569, MedGen C0007194, MeSH D002312, MONDO:0005045, HP:0001639.

Submissions (2):

Mayo Clinic Laboratories, Mayo Clinic
Classification: Uncertain significance. Last evaluated: 2021-01-18. Review status: criteria provided, single submitter. Criteria: ACMG Guidelines, 2015. Collection method: clinical testing. Allele origin: germline. Observed: 1 variant allele.

Labcorp Genetics (formerly Invitae), Labcorp
Classification: Uncertain significance for Hypertrophic cardiomyopathy. Last evaluated: 2019-07-28. Review status: criteria provided, single submitter. Criteria: Invitae Variant Classification Sherloc (09022015). Collection method: clinical testing. Allele origin: germline.
Comment: This sequence change replaces leucine with arginine at codon 396 of the MYH7 protein (p.Leu396Arg). The leucine residue is highly conserved and there is a moderate physicochemical difference between leucine and arginine. This variant is not present in population databases (ExAC no frequency). This variant has not been reported in the literature in individuals with MYH7-related conditions. Algorithms developed to predict the effect of missense changes on protein structure and function are either unavailable or do not agree on the potential impact of this missense change (SIFT: "Deleterious"; PolyPhen-2: "Probably Damaging"; Align-GVGD: "Class C0"). This variant is found within a region of MYH7 between codons 181 and 937 that contains the majority of the myosin head domain. Missense variants in this region have been shown to be significantly overrepresented in individuals with hypertrophic cardiomyopathy (PMID: 27532257). In summary, the available evidence is currently insufficient to determine the role of this variant in disease. Therefore, it has been classified as a Variant of Uncertain Significance.

Literature cited by the submitters: PubMed 27532257 (cited by Labcorp Genetics (formerly Invitae), Labcorp).

NM_000257.4(MYH7):c.1187T>G (p.Leu396Arg)

Gene: MYH7 (myosin heavy chain 7; minus strand). Cytogenetic location: 14q11.2.
Variant type: single nucleotide variant.
Coding change: c.1187T>G on transcript NM_000257.4 (MANE Select); coding-DNA position 1187, T replaced by G.
Protein change: p.Leu396Arg; replaces leucine 396 with arginine.
Molecular consequence: missense variant.
Genome position (GRCh38, 1-based): chr14:23,429,299, A>C on the plus strand (T>G on the coding strand, the complement: MYH7 is on the minus strand). VCF-style: chr14-23429299-A-C. GRCh37 (hg19) VCF-style: chr14-23898508-A-C.
Other names: short protein forms L396R.
Identifiers: ClinVar variation 958175 (VCV000958175.14), dbSNP rs1060501447, ClinGen allele CA389051161.
Genomic context (GRCh38, chr14:23,429,299, plus strand): 5'-TTCTGCCCCTTGGTGACGTACTCATTGCCCACTTTCACCCGAGGGTGGCACAGCCCCTTG[A>C]GCAGGTCGGCTGAGTTCAGCCCCATGAGGTAGGCAGACTTGTCAGCCTCTGGAAGGAAAA-3'
Protein context (NP_000248.2, residues 386-406): YLMGLNSADL[Leu396Arg]KGLCHPRVKV